The following is an entry in ClinVar:

NM_001167.4(XIAP):c.*3572A>G

Gene: XIAP (X-linked inhibitor of apoptosis; plus strand). Cytogenetic location: Xq25.
Variant type: single nucleotide variant.
Coding change: c.*3572A>G on transcript NM_001167.4 (MANE Select); 3572 bases downstream of the stop codon, A replaced by G.
Molecular consequence: 3 prime UTR variant. On other transcripts: non-coding transcript variant (2).
Genome position (GRCh38, 1-based): chrX:123,910,753, A>G. VCF-style: chrX-123910753-A-G. GRCh37 (hg19) VCF-style: chrX-123044603-A-G.
Other names: c.*3572A>G (NM_001204401.2, NM_001378590.1, NM_001378591.1 and 1 more transcripts).
Identifiers: ClinVar variation 913106 (VCV000913106.4), dbSNP rs185763794, ClinGen allele CA335089210.

ClinVar aggregate classification (germline): Benign (1 of 4 stars; one submission).

Conditions:
X-linked lymphoproliferative disease due to XIAP deficiency. Also called: XIAP DEFICIENCY; XIAP-Related Lymphoproliferative Disease, X-Linked. Identifiers: Orphanet 2442, Orphanet 538934, MedGen C1845076, MONDO:0010385, OMIM 300635.

Allele frequency attached by ClinVar (database versions not stated): gnomAD exomes 0.00018 and 0.00042; gnomAD 0.00133 and 0.00137; TOPMed 0.00156; 1000 Genomes Project 0.00238; 1000 Genomes Project 30x 0.00271.

Submission:

Illumina Laboratory Services, Illumina
Classification: Benign for X-linked lymphoproliferative disease due to XIAP deficiency. Last evaluated: 2018-01-12. Review status: criteria provided, single submitter. Criteria: ICSL Variant Classification Criteria 13 December 2019. Collection method: clinical testing. Allele origin: germline.
Comment: This variant was observed in the ICSL laboratory as part of a predisposition screen in an ostensibly healthy population. It had not been previously curated by ICSL or reported in the Human Gene Mutation Database (HGMD: prior to June 1st, 2018), and was therefore a candidate for classification through an automated scoring system. Utilizing variant allele frequency, disease prevalence and penetrance estimates, and inheritance mode, an automated score was calculated to assess if this variant is too frequent to cause the disease. Based on the score and internal cut-off values, a variant classified as benign is not then subjected to further curation. The score for this variant resulted in a classification of benign for this disease.